The following is an entry in ClinVar:

NM_206965.2(FTCD):c.1549C>T (p.Arg517Cys)

Gene: FTCD (formimidoyltransferase cyclodeaminase; minus strand). Cytogenetic location: 21q22.3.
Variant type: single nucleotide variant.
Coding change: c.1549C>T on transcript NM_206965.2 (MANE Select); coding-DNA position 1549, C replaced by T.
Protein change: p.Arg517Cys; replaces arginine 517 with cysteine.
Molecular consequence: missense variant. On other transcripts: intron variant (1).
Genome position (GRCh38, 1-based): chr21:46,137,064, G>A on the plus strand (C>T on the coding strand, the complement: FTCD is on the minus strand). VCF-style: chr21-46137064-G-A. GRCh37 (hg19) VCF-style: chr21-47556978-G-A.
Other names: c.1549C>T, p.Arg517Cys (NM_006657.3); c.1540-11C>T (NM_001320412.2); c.1549C>T (NM_006657.2); short protein forms R517C.
Identifiers: ClinVar variation 1400411 (VCV001400411.7), dbSNP rs1188352065, ClinGen allele CA410555879.

ClinVar aggregate classification (germline): Uncertain significance. Review status: criteria provided, multiple submitters, no conflicts (2 of 4 stars). 2 submissions from 2 submitters: Uncertain significance (2). Last evaluated 2024-08-27.

Conditions:
Inborn genetic diseases. Identifiers: MedGen C0950123, MeSH D030342.
Glutamate formiminotransferase deficiency. Also called: Formiminoglutamic aciduria; Arakawa syndrome 1. Identifiers: Orphanet 51208, MedGen C0268609, MONDO:0009240, OMIM 229100.

Allele frequency attached by ClinVar (database versions not stated): gnomAD 0.00001; gnomAD exomes 0.00001 and 0.00003; TOPMed 0.00002.

Submissions (2):

Ambry Genetics
Classification: Uncertain significance for Inborn genetic diseases. Last evaluated: 2024-08-27. Review status: criteria provided, single submitter. Criteria: Ambry Variant Classification Scheme 2023. Collection method: clinical testing. Allele origin: germline.

Labcorp Genetics (formerly Invitae), Labcorp
Classification: Uncertain significance for Glutamate formiminotransferase deficiency. Last evaluated: 2022-02-24. Review status: criteria provided, single submitter. Criteria: Invitae Variant Classification Sherloc (09022015). Collection method: clinical testing. Allele origin: germline.
Comment: This sequence change replaces arginine, which is basic and polar, with cysteine, which is neutral and slightly polar, at codon 517 of the FTCD protein (p.Arg517Cys). This variant is present in population databases (no rsID available, gnomAD 0.007%). This variant has not been reported in the literature in individuals affected with FTCD-related conditions. Algorithms developed to predict the effect of missense changes on protein structure and function are either unavailable or do not agree on the potential impact of this missense change (SIFT: "Deleterious"; PolyPhen-2: "Possibly Damaging"; Align-GVGD: "Class C0"). Algorithms developed to predict the effect of sequence changes on RNA splicing suggest that this variant may create or strengthen a splice site. In summary, the available evidence is currently insufficient to determine the role of this variant in disease. Therefore, it has been classified as a Variant of Uncertain Significance.